The following is an entry in ClinVar:

ClinVar aggregate classification (germline): Likely benign. Review status: criteria provided, multiple submitters, no conflicts (2 of 4 stars). 7 submissions from 7 submitters: Likely benign (6). 1 of the submissions does not count toward it. Last evaluated 2026-05-15.

Conditions:
Frontometaphyseal dysplasia (FMD1). Identifiers: Orphanet 1826, MedGen C0265293, MONDO:0015942.
Heterotopia, periventricular, X-linked dominant (PVNH1). Also called: X-linked periventricular heterotopia; PERIVENTRICULAR NODULAR HETEROTOPIA 4; HETEROTOPIA, PERIVENTRICULAR, 1; PERIVENTRICULAR NODULAR HETEROTOPIA 1. Identifiers: Orphanet 2149, Orphanet 82004, MedGen C1848213, MONDO:0010233, OMIM 300049.
Oto-palato-digital syndrome, type II (OPD2). Also called: Otopalatodigital Syndrome Type 2 (FLNA-OPD2); FACIOPALATOOSSEOUS SYNDROME; Otopalatodigital Syndrome, Type II; OPD II SYNDROME. Identifiers: Orphanet 669, Orphanet 90652, MedGen C1844696, MONDO:0010571, OMIM 304120.
Melnick-Needles syndrome (MNS). Also called: Melnick-Needles Syndrome (FLNA-MNS); MELNICK-NEEDLES OSTEODYSPLASTY; OSTEODYSPLASTY OF MELNICK AND NEEDLES. Identifiers: Orphanet 2484, MedGen C0025237, MONDO:0010650, OMIM 309350.
FLNA-related disorder.
Familial thoracic aortic aneurysm and aortic dissection (TAAD). Also called: Thoracic aortic aneurysms and dissections. Identifiers: Orphanet 91387, MedGen C4707243, MONDO:0019625.

Allele frequency attached by ClinVar (database versions not stated): 1000 Genomes Project 30x 0.00021; 1000 Genomes Project 0.00026; ExAC 0.00001; gnomAD exomes 0.00001 and 0.00006; gnomAD 0.00004; TOPMed 0.00004.

Submissions (7):

Women's Health and Genetics/Laboratory Corporation of America, LabCorp
Classification: Likely benign. Last evaluated: 2026-05-15. Review status: criteria provided, single submitter. Criteria: LabCorp Variant Classification Summary - May 2015. Collection method: clinical testing. Allele origin: germline.

Labcorp Genetics (formerly Invitae), Labcorp
Classification: Likely benign for Oto-palato-digital syndrome, type II; Heterotopia, periventricular, X-linked dominant; Frontometaphyseal dysplasia; Melnick-Needles syndrome. Last evaluated: 2025-11-23. Review status: criteria provided, single submitter. Criteria: Invitae Variant Classification Sherloc (09022015). Collection method: clinical testing. Allele origin: germline.

CeGaT Center for Human Genetics Tuebingen
Classification: Likely benign. Last evaluated: 2023-04-01. Review status: criteria provided, single submitter. Criteria: CeGaT Center For Human Genetics Tuebingen Variant Classification Criteria Version 2. Collection method: clinical testing. Allele origin: germline. Affected: yes. Observed: 1 variant allele.
Comment: FLNA: BP4, BP7

GeneDx
Classification: Likely benign. Last evaluated: 2018-04-20. Review status: criteria provided, single submitter. Criteria: GeneDx Variant Classification (06012015). Collection method: clinical testing. Allele origin: germline. Affected: yes.
Comment: This variant is considered likely benign or benign based on one or more of the following criteria: it is a conservative change, it occurs at a poorly conserved position in the protein, it is predicted to be benign by multiple in silico algorithms, and/or has population frequency not consistent with disease.

ARUP Laboratories, Molecular Genetics and Genomics, ARUP Laboratories
Classification: Likely benign. Last evaluated: 2017-08-27. Review status: criteria provided, single submitter. Criteria: ARUP Molecular Germline Variant Investigation Process. Collection method: clinical testing. Allele origin: germline.

Ambry Genetics
Classification: Likely benign for Familial thoracic aortic aneurysm and aortic dissection. Last evaluated: 2016-03-02. Review status: criteria provided, single submitter. Criteria: Ambry Variant Classification Scheme 2023. Collection method: clinical testing. Allele origin: germline.

PreventionGenetics, part of Exact Sciences
Classification: Likely benign for FLNA-related condition. Last evaluated: 2023-07-26. Review status: no assertion criteria provided. Collection method: clinical testing. Allele origin: germline. Not counted in ClinVar's aggregate classification.
Comment: This variant is classified as likely benign based on ACMG/AMP sequence variant interpretation guidelines (Richards et al. 2015 PMID: 25741868, with internal and published modifications).

NM_001110556.2(FLNA):c.5151G>A (p.Pro1717=)

Gene: FLNA (filamin A; minus strand). Cytogenetic location: Xq28.
Variant type: single nucleotide variant.
Coding change: c.5151G>A on transcript NM_001110556.2 (MANE Select); coding-DNA position 5151, G replaced by A.
Protein change: p.Pro1717=; no amino-acid change (proline 1717 retained).
Molecular consequence: synonymous variant.
Genome position (GRCh38, 1-based): chrX:154,354,891, C>T on the plus strand (G>A on the coding strand, the complement: FLNA is on the minus strand). VCF-style: chrX-154354891-C-T. GRCh37 (hg19) VCF-style: chrX-153583259-C-T.
Other names: c.5151G>A (NM_001110556.1); c.5127G>A, p.Pro1709= (NM_001456.4).
Identifiers: ClinVar variation 519871 (VCV000519871.51), dbSNP rs782646183, ClinGen allele CA10560381.
Genomic context (GRCh38, chrX:154,354,891, plus strand): 5'-TTGGAAGGGGCTGTTGGGCACGTGCTCGCCACCAAAGCGCACACAGATGACGTATTTGCC[C>T]GGCTGGGGGGCCGTGTAGAAGATGTCGAAAGTGCCGTCCTCATTCTCCACCACGTCCACA-3'
Protein context (NP_001104026.1, residues 1707-1727): TFDIFYTAPQ[Pro1717=]GKYVICVRFG